The following is an entry in ClinVar:

ClinVar aggregate classification (germline): Pathogenic (0 of 4 stars; one submission).

Conditions:
NEB-related disorder. Also called: NEB-related condition; NEB-Related Disorders.

Submission:

PreventionGenetics, part of Exact Sciences
Classification: Pathogenic for NEB-related condition. Last evaluated: 2024-03-01. Review status: no assertion criteria provided. Collection method: clinical testing. Allele origin: germline.
Comment: The NEB c.11886delG variant is predicted to result in a frameshift and premature protein termination (p.Ser3963Valfs*20). To our knowledge, this variant has not been reported in the literature or in a large population database, indicating this variant is rare. Frameshift variants in NEB are expected to be pathogenic. This variant is interpreted as pathogenic.

NM_001164508.2(NEB):c.11886del (p.Ser3963fs)

Gene: NEB (nebulin; minus strand). Cytogenetic location: 2q23.3.
Variant type: Deletion.
Coding change: c.11886del on transcript NM_001164508.2 (MANE Select); coding-DNA position 11886, one base deleted (G; older notation c.11886delG).
Protein change: p.Ser3963fs; shifts the reading frame from serine 3963.
Molecular consequence: frameshift variant.
Genome position (GRCh38, 1-based): chr2:151,610,786, C deleted on the plus strand (G on the coding strand, the reverse complement: NEB is on the minus strand). VCF-style (leftmost placement, unchanged base first): chr2-151610785-TC-T. GRCh37 (hg19) VCF-style: chr2-152467299-TC-T.
Other names: c.11886del, p.Ser3963fs (NM_001164507.2, NM_001271208.2); c.11157del, p.Ser3720fs (NM_004543.5); short protein forms S3720fs, S3963fs.
Identifiers: ClinVar variation 3044721 (VCV003044721.2), dbSNP rs2552228093, ClinGen allele CA2740095741.